The following is an entry in ClinVar:

NM_004621.6(TRPC6):c.2686T>G (p.Tyr896Asp)

Gene: TRPC6 (transient receptor potential cation channel subfamily C member 6; minus strand). Cytogenetic location: 11q22.1.
Variant type: single nucleotide variant.
Coding change: c.2686T>G on transcript NM_004621.6 (MANE Select); coding-DNA position 2686, T replaced by G.
Protein change: p.Tyr896Asp; replaces tyrosine 896 with aspartic acid.
Molecular consequence: missense variant.
Genome position (GRCh38, 1-based): chr11:101,453,065, A>C on the plus strand (T>G on the coding strand, the complement: TRPC6 is on the minus strand). VCF-style: chr11-101453065-A-C. GRCh37 (hg19) VCF-style: chr11-101323796-A-C.
Other names: c.2338T>G, p.Tyr780Asp (NM_001439335.1); short protein forms Y780D, Y896D.
Identifiers: ClinVar variation 4709525 (VCV004709525.1).

ClinVar aggregate classification (germline): Uncertain significance (1 of 4 stars; one submission).

Submission:

Labcorp Genetics (formerly Invitae), Labcorp
Classification: Uncertain significance. Last evaluated: 2025-04-19. Review status: criteria provided, single submitter. Criteria: Invitae Variant Classification Sherloc (09022015). Collection method: clinical testing. Allele origin: germline.
Comment: This sequence change replaces tyrosine, which is neutral and polar, with aspartic acid, which is acidic and polar, at codon 896 of the TRPC6 protein (p.Tyr896Asp). This variant is not present in population databases (gnomAD no frequency). This variant has not been reported in the literature in individuals affected with TRPC6-related conditions. Invitae Evidence Modeling of protein sequence and biophysical properties (such as structural, functional, and spatial information, amino acid conservation, physicochemical variation, residue mobility, and thermodynamic stability) has been performed for this missense variant. However, the output from this modeling did not meet the statistical confidence thresholds required to predict the impact of this variant on TRPC6 protein function. In summary, the available evidence is currently insufficient to determine the role of this variant in disease. Therefore, it has been classified as a Variant of Uncertain Significance.